The following is an entry in ClinVar:

ClinVar aggregate classification (germline): Uncertain significance (1 of 4 stars; one submission).

Conditions:
COL6A2-related disorder.

Allele frequency attached by ClinVar (database versions not stated): gnomAD exomes 0.00001.
gnomAD v4.1: 7 of 1,612,980 alleles (0.00043%); highest among the groups gnomAD compares: Non-Finnish European, 0.00059%; no homozygotes.

Submission:

PreventionGenetics, part of Exact Sciences
Classification: Uncertain significance for COL6A2-related condition. Last evaluated: 2023-05-08. Review status: criteria provided, single submitter. Criteria: ACMG Guidelines, 2015. Collection method: clinical testing. Allele origin: germline.
Comment: The COL6A2 c.2495C>T variant is predicted to result in the amino acid substitution p.Thr832Ile. Using an alternative transcript (NM_001849.3), this variant is also referred to as c.2461+2688C>T which is NOT predicted to alter splicing based on available splicing prediction programs (Alamut Visual Plus v1.6.1).To our knowledge, this variant has not been reported in the literature or in a large population database, indicating this variant is rare. At this time, the clinical significance of this variant is uncertain due to the absence of conclusive functional and genetic evidence.

NM_058174.3(COL6A2):c.2495C>T (p.Thr832Ile)

Gene: COL6A2 (collagen type VI alpha 2 chain; plus strand). Cytogenetic location: 21q22.3.
Variant type: single nucleotide variant.
Coding change: c.2495C>T on transcript NM_058174.3 (MANE Plus Clinical); coding-DNA position 2495, C replaced by T.
Protein change: p.Thr832Ile; replaces threonine 832 with isoleucine.
Molecular consequence: missense variant. On other transcripts: 3 prime UTR variant (1), intron variant (1).
Genome position (GRCh38, 1-based): chr21:46,129,229, C>T. VCF-style: chr21-46129229-C-T. GRCh37 (hg19) VCF-style: chr21-47549143-C-T.
Other names: c.*301C>T (NM_058175.3); c.2461+2688C>T (NM_001849.4); short protein forms T832I.
Identifiers: ClinVar variation 2632833 (VCV002632833.1), dbSNP rs772695537, ClinGen allele CA321977471.